The following is an entry in ClinVar:

ClinVar aggregate classification (germline): Conflicting classifications of pathogenicity. Review status: criteria provided, conflicting classifications (1 of 4 stars). 13 submissions from 13 submitters: Uncertain significance (8); Likely benign (3). 2 of the submissions do not count toward it. Last evaluated 2026-07-01.

Conditions:
TTN-related disorder. Also called: TTN-related disorders; TTN-related condition; TTN-related disease.
Cardiovascular phenotype. Identifiers: MedGen CN230736.
Autosomal recessive limb-girdle muscular dystrophy type 2J (LGMDR10). Also called: Limb-girdle muscular dystrophy, type 2J; MUSCULAR DYSTROPHY, LIMB-GIRDLE, AUTOSOMAL RECESSIVE 10. Identifiers: Orphanet 140922, MedGen C1837342, MONDO:0012127, OMIM 608807.
Dilated cardiomyopathy 1G (CMD1G). Identifiers: Orphanet 154, MedGen C1858763, MONDO:0011400, OMIM 604145.

Allele frequency attached by ClinVar (database versions not stated): gnomAD 0.00012 and 0.00013; ESP Exome Variant Server 0.00025; TOPMed 0.00031.
gnomAD v4.1: 186 of 1,613,332 alleles (0.012%); highest among the groups gnomAD compares: Admixed American, 0.033%; 1 homozygote.

Submissions (13):

CeGaT Center for Human Genetics Tuebingen
Classification: Uncertain significance. Last evaluated: 2026-07-01. Review status: criteria provided, single submitter. Criteria: CeGaT Center For Human Genetics Tuebingen Variant Classification Criteria Version 2. Collection method: clinical testing. Allele origin: germline. Affected: yes. Observed: 3 variant alleles.

PreventionGenetics, part of Exact Sciences
Classification: Uncertain significance for TTN-related condition. Last evaluated: 2026-06-26. Review status: criteria provided, single submitter. Criteria: ACMG Guidelines, 2015. Collection method: clinical testing. Allele origin: germline.
Comment: The TTN c.73303C>T variant is predicted to result in the amino acid substitution p.Arg24435Cys. To our knowledge, this variant has not been reported in the literature. This variant is reported in 0.016% of alleles in individuals of European (Non-Finnish) descent in gnomAD. Although we suspect that this variant may be benign, at this time, the clinical significance of this variant is uncertain due to the absence of conclusive functional and genetic evidence.

Molecular Diagnostic Laboratory for Inherited Cardiovascular Disease, Montreal Heart Institute
Classification: Likely benign. Last evaluated: 2025-04-09. Review status: criteria provided, single submitter. Criteria: ACMG Guidelines, 2015. Collection method: clinical testing. Allele origin: germline. Affected: no.

Blueprint Genetics
Classification: Likely benign. Last evaluated: 2024-09-13. Review status: criteria provided, single submitter. Criteria: ACMG Guidelines, 2015. Collection method: clinical testing. Allele origin: germline.

Revvity Omics, Revvity
Classification: Uncertain significance. Last evaluated: 2023-08-03. Review status: criteria provided, single submitter. Criteria: ACMG Guidelines, 2015. Collection method: clinical testing. Allele origin: germline.

Mayo Clinic Laboratories, Mayo Clinic
Classification: Uncertain significance. Last evaluated: 2023-05-17. Review status: criteria provided, single submitter. Criteria: ACMG Guidelines, 2015. Collection method: clinical testing. Allele origin: germline. Observed: 1 variant allele.

Centre for Mendelian Genomics, University Medical Centre Ljubljana
Classification: Uncertain significance. Last evaluated: 2020-03-17. Review status: criteria provided, single submitter. Criteria: ACMG Guidelines, 2015. Collection method: clinical testing. Allele origin: unknown. Affected: yes.
Comment: This variant was classified as: Uncertain significance. The available evidence on this variant's pathogenicity is insufficient or conflicting. The following ACMG criteria were applied in classifying this variant: PM2,PP3.

GeneDx
Classification: Likely benign. Last evaluated: 2018-10-12. Review status: criteria provided, single submitter. Criteria: GeneDx Variant Classification Process June 2021. Collection method: clinical testing. Allele origin: germline. Affected: yes.

ARUP Laboratories, Molecular Genetics and Genomics, ARUP Laboratories
Classification: Uncertain significance. Last evaluated: 2018-09-26. Review status: criteria provided, single submitter. Criteria: ARUP Molecular Germline Variant Investigation Process. Collection method: clinical testing. Allele origin: germline.
Comment: The TTN c.65599C>T; p.Arg21867Cys variant (rs200028088; ClinVar Variation ID: 202847) is rare in the general population (<1% allele frequency in the Genome Aggregation Database) and has not been reported in the medical literature in association with dilated cardiomyopathy (DCM) or other TTN-related disease. The clinical relevance of rare missense variants in this gene, which are identified on average once per individual sequenced in affected populations (Herman 2012), is not well understood. Yet, evidence suggests that the vast majority of such missense variants do not contribute to the clinical outcome of DCM (Begay 2015). Thus, the clinical significance of the p.Arg21867Cys variant cannot be determined with certainty.

Ambry Genetics
Classification: Uncertain significance for Cardiovascular phenotype. Last evaluated: 2018-01-16. Review status: criteria provided, single submitter. Criteria: Ambry Variant Classification Scheme 2023. Collection method: clinical testing. Allele origin: germline.
Comment: The p.R15370C variant (also known as c.46108C>T), located in coding exon 153 of the TTN gene, results from a C to T substitution at nucleotide position 46108. The arginine at codon 15370 is replaced by cysteine, an amino acid with highly dissimilar properties. This amino acid position is highly conserved in available vertebrate species. In addition, the in silico prediction for this alteration is inconclusive. Since supporting evidence is limited at this time, the clinical significance of this alteration remains unclear.

Labcorp Genetics (formerly Invitae), Labcorp
Classification: Uncertain significance for Dilated cardiomyopathy 1G; Autosomal recessive limb-girdle muscular dystrophy type 2J. Last evaluated: 2017-11-02. Review status: criteria provided, single submitter. Criteria: Invitae Variant Classification Sherloc (09022015). Collection method: clinical testing. Allele origin: germline.

Clinical Genetics DNA and cytogenetics Diagnostics Lab, Erasmus MC, Erasmus Medical Center
Classification: Uncertain significance. Review status: no assertion criteria provided. Collection method: clinical testing. Allele origin: germline. Affected: yes. Study: VKGL Data-share Consensus. Not counted in ClinVar's aggregate classification.

Joint Genome Diagnostic Labs from Nijmegen and Maastricht, Radboudumc and MUMC+
Classification: Uncertain significance. Review status: no assertion criteria provided. Collection method: clinical testing. Allele origin: germline. Affected: yes. Study: VKGL Data-share Consensus. Not counted in ClinVar's aggregate classification.

NM_001267550.2(TTN):c.73303C>T (p.Arg24435Cys)

Genes: TTN (titin; minus strand), TTN-AS1 (TTN antisense RNA 1; plus strand). Cytogenetic location: 2q31.2.
Variant type: single nucleotide variant.
Coding change: c.73303C>T on transcript NM_001267550.2 (MANE Select); coding-DNA position 73303, C replaced by T.
Protein change: p.Arg24435Cys; replaces arginine 24435 with cysteine.
Molecular consequence: missense variant.
Genome position (GRCh38, 1-based): chr2:178,572,829, G>A on the plus strand (C>T on the coding strand, the complement: TTN is on the minus strand). VCF-style: chr2-178572829-G-A. GRCh37 (hg19) VCF-style: chr2-179437556-G-A.
Other names: p.R22794C:CGC>TGC; p.Arg22794Cys; c.68380C>T, p.Arg22794Cys (NM_001256850.1); c.46108C>T, p.Arg15370Cys (NM_003319.4); c.65599C>T, p.Arg21867Cys (NM_133378.4); c.46483C>T, p.Arg15495Cys (NM_133432.3); c.46684C>T, p.Arg15562Cys (NM_133437.4); short protein forms R22794C, R24435C, R21867C, R15495C, R15562C, R15370C.
Identifiers: ClinVar variation 202847 (VCV000202847.48), dbSNP rs200028088, ClinGen allele CA310469.
Genomic context (GRCh38, chr2:178,572,829, plus strand): 5'-TTCCTTTGATGGGAACAAAAAGTCTCAGGGTGCAGCAGGCCCTTATAGTAACAACTTTGC[G>A]CAGGTCAGCATCCAGTTCAATTTCTGGAGGCAGCATTCTGTCTTCAGCCTTTGGAGTTCC-3'
Protein context (NP_001254479.2, residues 24425-24445): PPEIELDADL[Arg24435Cys]KVVTIRACCT